The following is an entry in ClinVar:

ClinVar aggregate classification (germline): Uncertain significance (1 of 4 stars; one submission).

Conditions:
Nephronophthisis. Also called: Juvenile Nephronophthisis. Identifiers: Orphanet 655, MedGen C0687120, MONDO:0019005, HP:0000090.

Allele frequency attached by ClinVar (database versions not stated): gnomAD 0.00001; TOPMed 0.00002; ExAC 0.00006; ESP Exome Variant Server 0.00008.

Submission:

Labcorp Genetics (formerly Invitae), Labcorp
Classification: Uncertain significance for Nephronophthisis. Last evaluated: 2025-06-12. Review status: criteria provided, single submitter. Criteria: Invitae Variant Classification Sherloc (09022015). Collection method: clinical testing. Allele origin: germline.
Comment: This sequence change falls in intron 22 of the NPHP4 gene. It does not directly change the encoded amino acid sequence of the NPHP4 protein. It affects a nucleotide within the consensus splice site. The frequency data for this variant in the population databases is considered unreliable, as metrics indicate poor data quality at this position in the gnomAD database. This variant has not been reported in the literature in individuals affected with NPHP4-related conditions. ClinVar contains an entry for this variant (Variation ID: 2083737). Variants that disrupt the consensus splice site are a relatively common cause of aberrant splicing (PMID: 17576681, 9536098). Algorithms developed to predict the effect of sequence changes on RNA splicing suggest that this variant is not likely to affect RNA splicing. In summary, the available evidence is currently insufficient to determine the role of this variant in disease. Therefore, it has been classified as a Variant of Uncertain Significance.

Literature cited by the submitters: PubMed 17576681; PubMed 9536098.

NM_015102.5(NPHP4):c.3231+6G>A

Gene: NPHP4 (nephrocystin 4; minus strand). Cytogenetic location: 1p36.31.
Variant type: single nucleotide variant.
Coding change: c.3231+6G>A on transcript NM_015102.5 (MANE Select); 6 bases into the intron after coding-DNA position 3231, G replaced by A.
Molecular consequence: intron variant.
Genome position (GRCh38, 1-based): chr1:5,874,465, C>T on the plus strand (G>A on the coding strand, the complement: NPHP4 is on the minus strand). VCF-style: chr1-5874465-C-T. GRCh37 (hg19) VCF-style: chr1-5934525-C-T.
Other names: c.1695+6G>A (NM_001291594.2); c.1692+6G>A (NM_001291593.2).
Identifiers: ClinVar variation 2083737 (VCV002083737.4), dbSNP rs372205414, ClinGen allele CA553758.
Genomic context (GRCh38, chr1:5,874,465, plus strand): 5'-GAAGCATTCTCAATTTCCCACCGTCATCAGCCAAATGCAACTTCCCTGTGTGCCTGACAC[C>T]CGCACCTGCACCATGGCCAGCTGCCCTGCAGAGAAGCTCTGGAACTTGAAGGGGACGTGG-3'